The following is an entry in ClinVar:

NM_152416.4(NDUFAF6):c.856C>T (p.Pro286Ser)

Gene: NDUFAF6 (NADH:ubiquinone oxidoreductase complex assembly factor 6; plus strand). Cytogenetic location: 8q22.1.
Variant type: single nucleotide variant.
Coding change: c.856C>T on transcript NM_152416.4 (MANE Select); coding-DNA position 856, C replaced by T.
Protein change: p.Pro286Ser; replaces proline 286 with serine.
Molecular consequence: missense variant. On other transcripts: non-coding transcript variant (4), intron variant (2).
Genome position (GRCh38, 1-based): chr8:95,052,213, C>T. VCF-style: chr8-95052213-C-T. GRCh37 (hg19) VCF-style: chr8-96064441-C-T.
Other names: c.580C>T, p.Pro194Ser (NM_001330582.2, NM_001354514.2, NM_001354515.2); c.700C>T, p.Pro234Ser (NM_001354516.2); c.523C>T, p.Pro175Ser (NM_001354517.2, NM_001354518.2, NM_001354519.2); c.400C>T, p.Pro134Ser (NM_001354522.2, NM_001354524.2, NM_001354525.2 and 7 more transcripts); c.483+3655C>T (NM_001354534.2); c.540+3655C>T (NM_001354521.2); short protein forms P134S, P286S, P175S, P194S, P234S.
Identifiers: ClinVar variation 4740789 (VCV004740789.1).

ClinVar aggregate classification (germline): Uncertain significance (1 of 4 stars; one submission).

gnomAD v4.1: 3 of 1,614,038 alleles (0.00019%); highest among the groups gnomAD compares: Non-Finnish European, 0.00025%; no homozygotes.

Submission:

Labcorp Genetics (formerly Invitae), Labcorp
Classification: Uncertain significance. Last evaluated: 2025-10-18. Review status: criteria provided, single submitter. Criteria: Invitae Variant Classification Sherloc (09022015). Collection method: clinical testing. Allele origin: germline.
Comment: This sequence change replaces proline, which is neutral and non-polar, with serine, which is neutral and polar, at codon 286 of the NDUFAF6 protein (p.Pro286Ser). This variant is not present in population databases (gnomAD no frequency). This variant has not been reported in the literature in individuals affected with NDUFAF6-related conditions. Invitae Evidence Modeling of protein sequence and biophysical properties (such as structural, functional, and spatial information, amino acid conservation, physicochemical variation, residue mobility, and thermodynamic stability) indicates that this missense variant is not expected to disrupt NDUFAF6 protein function with a negative predictive value of 80%. In summary, the available evidence is currently insufficient to determine the role of this variant in disease. Therefore, it has been classified as a Variant of Uncertain Significance.